The following is an entry in ClinVar:

ClinVar aggregate classification (germline): Uncertain significance (1 of 4 stars; one submission).

Conditions:
Periodontitis, aggressive. Identifiers: MedGen C0031106, MONDO:0980757.
Haim-Munk syndrome (HMS). Also called: COCHIN JEWISH DISORDER; KERATOSIS PALMOPLANTARIS WITH PERIODONTOPATHIA AND ONYCHOGRYPOSIS. Identifiers: Orphanet 2342, MedGen C1855627, MONDO:0009491, OMIM 245010.
Papillon-Lefèvre syndrome (PALS). Also called: KERATOSIS PALMOPLANTARIS WITH PERIODONTOPATHIA; Papillon-Lefevre Disease. Identifiers: Orphanet 678, MedGen C0030360, MONDO:0009490, OMIM 245000.

Submission:

Labcorp Genetics (formerly Invitae), Labcorp
Classification: Uncertain significance for Haim-Munk syndrome; Periodontitis, aggressive; Papillon-Lefèvre syndrome. Last evaluated: 2024-10-30. Review status: criteria provided, single submitter. Criteria: Invitae Variant Classification Sherloc (09022015). Collection method: clinical testing. Allele origin: germline.
Comment: This sequence change replaces leucine, which is neutral and non-polar, with methionine, which is neutral and non-polar, at codon 408 of the CTSC protein (p.Leu408Met). This variant is not present in population databases (gnomAD no frequency). This variant has not been reported in the literature in individuals affected with CTSC-related conditions. ClinVar contains an entry for this variant (Variation ID: 1962038). Invitae Evidence Modeling of protein sequence and biophysical properties (such as structural, functional, and spatial information, amino acid conservation, physicochemical variation, residue mobility, and thermodynamic stability) indicates that this missense variant is expected to disrupt CTSC protein function with a positive predictive value of 80%. In summary, the available evidence is currently insufficient to determine the role of this variant in disease. Therefore, it has been classified as a Variant of Uncertain Significance.

NM_001814.6(CTSC):c.1222C>A (p.Leu408Met)

Gene: CTSC (cathepsin C; minus strand). Cytogenetic location: 11q14.2.
Variant type: single nucleotide variant.
Coding change: c.1222C>A on transcript NM_001814.6 (MANE Select); coding-DNA position 1222, C replaced by A.
Protein change: p.Leu408Met; replaces leucine 408 with methionine.
Molecular consequence: missense variant.
Genome position (GRCh38, 1-based): chr11:88,294,176, G>T on the plus strand (C>A on the coding strand, the complement: CTSC is on the minus strand). VCF-style: chr11-88294176-G-T. GRCh37 (hg19) VCF-style: chr11-88027344-G-T.
Other names: short protein forms L408M.
Identifiers: ClinVar variation 1962038 (VCV001962038.5), dbSNP rs1401380617, ClinGen allele CA382021606.